The following is an entry in ClinVar:

ClinVar aggregate classification (germline): Uncertain significance (1 of 4 stars; one submission).

Allele frequency attached by ClinVar (database versions not stated): gnomAD exomes 0.00001; TOPMed 0.00001; ExAC 0.00002.
gnomAD v4.1: 7 of 1,612,976 alleles (0.00043%); highest among the groups gnomAD compares: Admixed American, 0.0067%; no homozygotes.

Submission:

Labcorp Genetics (formerly Invitae), Labcorp
Classification: Uncertain significance. Last evaluated: 2022-08-31. Review status: criteria provided, single submitter. Criteria: Invitae Variant Classification Sherloc (09022015). Collection method: clinical testing. Allele origin: germline.
Comment: In summary, the available evidence is currently insufficient to determine the role of this variant in disease. Therefore, it has been classified as a Variant of Uncertain Significance. This variant has not been reported in the literature in individuals affected with CD151-related conditions. Algorithms developed to predict the effect of sequence changes on RNA splicing suggest that this variant may create or strengthen a splice site. This variant is present in population databases (rs774122528, gnomAD 0.01%). This sequence change affects codon 154 of the CD151 mRNA. It is a 'silent' change, meaning that it does not change the encoded amino acid sequence of the CD151 protein.

NM_004357.5(CD151):c.462C>T (p.His154=)

Gene: CD151 (CD151 molecule (Raph blood group); plus strand). Cytogenetic location: 11p15.5.
Variant type: single nucleotide variant.
Coding change: c.462C>T on transcript NM_004357.5 (MANE Select); coding-DNA position 462, C replaced by T.
Protein change: p.His154=; no amino-acid change (histidine 154 retained).
Molecular consequence: synonymous variant.
Genome position (GRCh38, 1-based): chr11:837,465, C>T. VCF-style: chr11-837465-C-T. GRCh37 (hg19) VCF-style: chr11-837465-C-T.
Other names: c.462C>T, p.His154= (NM_001039490.2, NM_139029.2, NM_139030.4).
Identifiers: ClinVar variation 1981701 (VCV001981701.4), dbSNP rs774122528, ClinGen allele CA5792235.
Genomic context (GRCh38, chr11:837,465, plus strand): 5'-CCTCTGCAGGAGCCTCTGGCCCCAGGTCTCAACCCCAGCCTTGTTCTTGATGCAGTTCCA[C>T]TGCTGTGGCAGCAACAACTCACAGGACTGGCGAGACAGTGAGTGGATCCGCTCACAGGAG-3'
Protein context (NP_004348.2, residues 144-164): SAVDQLQQEF[His154=]CCGSNNSQDW